The following is an entry in ClinVar:

ClinVar aggregate classification (germline): Uncertain significance (1 of 4 stars; one submission).

Conditions:
Atrial fibrillation, familial, 11 (ATFB11). Identifiers: MedGen C3279693, MONDO:0013544, OMIM 614049.
Atrial standstill 1 (ATRST1). Also called: ATRIAL CARDIOMYOPATHY WITH HEART BLOCK; CARDIOMYOPATHY, FAMILIAL, WITH CONDUCTION DISTURBANCE; Atrial standstill, digenic (GJA5/SCN5A). Identifiers: Orphanet 1344, MedGen C4551959, MONDO:0007171, OMIM 108770.

Submission:

Labcorp Genetics (formerly Invitae), Labcorp
Classification: Uncertain significance for Atrial fibrillation, familial, 11; Atrial standstill 1. Last evaluated: 2025-02-12. Review status: criteria provided, single submitter. Criteria: Invitae Variant Classification Sherloc (09022015). Collection method: clinical testing. Allele origin: germline.
Comment: This sequence change replaces alanine, which is neutral and non-polar, with threonine, which is neutral and polar, at codon 40 of the GJA5 protein (p.Ala40Thr). This variant is not present in population databases (gnomAD no frequency). This variant has not been reported in the literature in individuals affected with GJA5-related conditions. Invitae Evidence Modeling of protein sequence and biophysical properties (such as structural, functional, and spatial information, amino acid conservation, physicochemical variation, residue mobility, and thermodynamic stability) indicates that this missense variant is expected to disrupt GJA5 protein function with a positive predictive value of 80%. In summary, the available evidence is currently insufficient to determine the role of this variant in disease. Therefore, it has been classified as a Variant of Uncertain Significance.

NM_181703.4(GJA5):c.118G>A (p.Ala40Thr)

Gene: GJA5 (gap junction protein alpha 5; minus strand). Cytogenetic location: 1q21.2.
Variant type: single nucleotide variant.
Coding change: c.118G>A on transcript NM_181703.4 (MANE Select); coding-DNA position 118, G replaced by A.
Protein change: p.Ala40Thr; replaces alanine 40 with threonine.
Molecular consequence: missense variant.
Genome position (GRCh38, 1-based): chr1:147,759,121, C>T on the plus strand (G>A on the coding strand, the complement: GJA5 is on the minus strand). VCF-style: chr1-147759121-C-T. GRCh37 (hg19) VCF-style: chr1-147231229-C-T.
Other names: c.118G>A, p.Ala40Thr (NM_005266.7); short protein forms A40T.
Identifiers: ClinVar variation 4791855 (VCV004791855.1).